The following is an entry in ClinVar:

NM_021008.4(DEAF1):c.869T>C (p.Leu290Ser)

Gene: DEAF1 (DEAF1 transcription factor; minus strand). Cytogenetic location: 11p15.5.
Variant type: single nucleotide variant.
Coding change: c.869T>C on transcript NM_021008.4 (MANE Select); coding-DNA position 869, T replaced by C.
Protein change: p.Leu290Ser; replaces leucine 290 with serine.
Molecular consequence: missense variant. On other transcripts: synonymous variant (1).
Genome position (GRCh38, 1-based): chr11:684,899, A>G on the plus strand (T>C on the coding strand, the complement: DEAF1 is on the minus strand). VCF-style: chr11-684899-A-G. GRCh37 (hg19) VCF-style: chr11-684899-A-G.
Other names: c.729T>C, p.Leu243= (NM_001293634.2); c.143T>C, p.Leu48Ser (NM_001367390.1); short protein forms L290S, L48S.
Identifiers: ClinVar variation 2641086 (VCV002641086.24), dbSNP rs2494437823, ClinGen allele CA378929767.

ClinVar aggregate classification (germline): Uncertain significance (1 of 4 stars; one submission).

Allele frequency attached by ClinVar (database versions not stated): gnomAD exomes below 0.00001.

Submission:

CeGaT Center for Human Genetics Tuebingen
Classification: Uncertain significance. Last evaluated: 2023-08-01. Review status: criteria provided, single submitter. Criteria: CeGaT Center For Human Genetics Tuebingen Variant Classification Criteria Version 2. Collection method: clinical testing. Allele origin: germline. Affected: yes. Observed: 1 variant allele.
Comment: DEAF1: PM2